The following is an entry in ClinVar:

NM_006267.5(RANBP2):c.1234C>T (p.Arg412Ter)

Gene: RANBP2 (RAN binding protein 2; plus strand). Cytogenetic location: 2q13.
Variant type: single nucleotide variant.
Coding change: c.1234C>T on transcript NM_006267.5 (MANE Select); coding-DNA position 1234, C replaced by T.
Protein change: p.Arg412Ter; replaces arginine 412 with a stop codon.
Molecular consequence: nonsense.
Genome position (GRCh38, 1-based): chr2:108,749,090, C>T. VCF-style: chr2-108749090-C-T. GRCh37 (hg19) VCF-style: chr2-109365546-C-T.
Other names: c.1234C>T, p.Arg412Ter (NM_001415871.1, NM_001415873.1); c.1231C>T, p.Arg411Ter (NM_001415872.1); short protein forms R411*, R412*.
Identifiers: ClinVar variation 3343866 (VCV003343866.1).

ClinVar aggregate classification (germline): Uncertain significance (1 of 4 stars; one submission).

gnomAD v4.1: 1 of 1,611,824 alleles (0.000062%); highest among the groups gnomAD compares: Non-Finnish European, 0.000085%; no homozygotes.

Submission:

GeneDx
Classification: Uncertain significance. Last evaluated: 2024-02-14. Review status: criteria provided, single submitter. Criteria: GeneDx Variant Classification Process June 2021. Collection method: clinical testing. Allele origin: germline. Affected: yes.
Comment: Reported previously in an individual with a neurodevelopmental disorder; however, additional details and inheritance were not provided (PMID: 28191889); Nonsense variant predicted to result in protein truncation or nonsense mediated decay in a gene or region of a gene for which loss of function is not a well-established mechanism of disease; Not observed at significant frequency in large population cohorts (gnomAD); This variant is associated with the following publications: (PMID: 28191889)